The following is an entry in ClinVar:

NM_000038.6(APC):c.3520G>A (p.Asp1174Asn)

Gene: APC (APC regulator of Wnt signaling pathway; plus strand). Cytogenetic location: 5q22.2.
Variant type: single nucleotide variant.
Coding change: c.3520G>A on transcript NM_000038.6 (MANE Select); coding-DNA position 3520, G replaced by A.
Protein change: p.Asp1174Asn; replaces aspartic acid 1174 with asparagine.
Molecular consequence: missense variant.
Genome position (GRCh38, 1-based): chr5:112,839,114, G>A. VCF-style: chr5-112839114-G-A. GRCh37 (hg19) VCF-style: chr5-112174811-G-A.
Other names: c.3520G>A, p.Asp1174Asn (NM_001127510.3, NM_001354895.2, NM_001407450.1); c.3466G>A, p.Asp1156Asn (NM_001127511.3); c.3574G>A, p.Asp1192Asn (NM_001354896.2, NM_001407447.1, NM_001407448.1 and 1 more transcripts); c.3550G>A, p.Asp1184Asn (NM_001354897.2); c.3445G>A, p.Asp1149Asn (NM_001354898.2); c.3436G>A, p.Asp1146Asn (NM_001354899.2); c.3397G>A, p.Asp1133Asn (NM_001354900.2); c.3343G>A, p.Asp1115Asn (NM_001354901.2, NM_001407453.1); and 11 more; short protein forms D1133N, D1156N, D1167N, D1184N, D1192N, D790N, D1014N, D1115N.
Identifiers: ClinVar variation 1732273 (VCV001732273.2), dbSNP rs2149893590, ClinGen allele CA16029063.

ClinVar aggregate classification (germline): Uncertain significance (1 of 4 stars; one submission).

Conditions:
Hereditary cancer-predisposing syndrome. Also called: Neoplastic Syndromes, Hereditary; Tumor predisposition; Hereditary Cancer Syndrome; Hereditary neoplastic syndrome. Identifiers: Orphanet 140162, MedGen C0027672, MeSH D009386, MONDO:0015356.

Submission:

Ambry Genetics
Classification: Uncertain significance for Hereditary cancer-predisposing syndrome. Last evaluated: 2022-01-12. Review status: criteria provided, single submitter. Criteria: Ambry Variant Classification Scheme 2023. Collection method: clinical testing. Allele origin: germline.
Comment: The p.D1174N variant (also known as c.3520G>A), located in coding exon 15 of the APC gene, results from a G to A substitution at nucleotide position 3520. The aspartic acid at codon 1174 is replaced by asparagine, an amino acid with highly similar properties. This amino acid position is well conserved in available vertebrate species. In addition, in silico predictors for this gene do not accurately predict pathogenicity. Since supporting evidence is limited at this time, the clinical significance of this alteration remains unclear.